The following is an entry in ClinVar:

ClinVar aggregate classification (germline): Uncertain significance (1 of 4 stars; one submission).

Submission:

Labcorp Genetics (formerly Invitae), Labcorp
Classification: Uncertain significance. Last evaluated: 2024-05-19. Review status: criteria provided, single submitter. Criteria: Invitae Variant Classification Sherloc (09022015). Collection method: clinical testing. Allele origin: germline.
Comment: This sequence change falls in intron 8 of the SLC22A4 gene. It does not directly change the encoded amino acid sequence of the SLC22A4 protein. It affects a nucleotide within the consensus splice site. This variant is present in population databases (no rsID available, gnomAD 0.006%). This variant has not been reported in the literature in individuals affected with SLC22A4-related conditions. Variants that disrupt the consensus splice site are a relatively common cause of aberrant splicing (PMID: 17576681, 9536098). Algorithms developed to predict the effect of sequence changes on RNA splicing suggest that this variant is not likely to affect RNA splicing. In summary, the available evidence is currently insufficient to determine the role of this variant in disease. Therefore, it has been classified as a Variant of Uncertain Significance.

Literature cited by the submitters: PubMed 17576681; PubMed 9536098.

NM_003059.3(SLC22A4):c.1445-3C>T

Genes: MIR3936HG (MIR3936 host gene; minus strand), SLC22A4 (solute carrier family 22 member 4; plus strand). Cytogenetic location: 5q31.1.
Variant type: single nucleotide variant.
Coding change: c.1445-3C>T on transcript NM_003059.3 (MANE Select); 3 bases into the intron before coding-DNA position 1445, C replaced by T.
Molecular consequence: intron variant.
Genome position (GRCh38, 1-based): chr5:132,340,562, C>T. VCF-style: chr5-132340562-C-T. GRCh37 (hg19) VCF-style: chr5-131676255-C-T.
Identifiers: ClinVar variation 3608807 (VCV003608807.2).